The following is an entry in ClinVar:

ClinVar aggregate classification (germline): Conflicting classifications of pathogenicity. Review status: criteria provided, conflicting classifications (1 of 4 stars). 4 submissions from 3 submitters: Uncertain significance (2); Likely benign (1). 1 of the submissions does not count toward it. Last evaluated 2024-02-06.

Conditions:
Cholestasis, intrahepatic, of pregnancy, 3. Identifiers: Orphanet 69665, MedGen C3554241, MONDO:0013995, OMIM 614972.
ABCB4-related disorder. Also called: ABCB4-related disorders; ABCB4-related condition.
Progressive familial intrahepatic cholestasis type 3. Also called: MDR3 DEFICIENCY; Low Gamma-GT Familial Intrahepatic Cholestasis. Identifiers: Orphanet 79305, MedGen C1865643, MONDO:0011214, OMIM 602347.

Allele frequency attached by ClinVar (database versions not stated): ESP Exome Variant Server 0.00015; gnomAD exomes 0.00004 and 0.00005; ExAC 0.00005; gnomAD 0.00005 and 0.00006; TOPMed 0.00006.
gnomAD v4.1: 70 of 1,614,086 alleles (0.0043%); highest among the groups gnomAD compares: East Asian, 0.0067%; no homozygotes.

Submissions (4):

Labcorp Genetics (formerly Invitae), Labcorp
Classification: Likely benign. Last evaluated: 2024-02-06. Review status: criteria provided, single submitter. Criteria: Invitae Variant Classification Sherloc (09022015). Collection method: clinical testing. Allele origin: germline.

Illumina Laboratory Services, Illumina
Classification: Uncertain significance for Cholestasis, intrahepatic, of pregnancy, 3. Last evaluated: 2018-01-13. Review status: criteria provided, single submitter. Criteria: ICSL Variant Classification Criteria 13 December 2019. Collection method: clinical testing. Allele origin: germline.

Illumina Laboratory Services, Illumina
Classification: Uncertain significance for Progressive familial intrahepatic cholestasis type 3. Last evaluated: 2018-01-13. Review status: criteria provided, single submitter. Criteria: ICSL Variant Classification Criteria 13 December 2019. Collection method: clinical testing. Allele origin: germline.

PreventionGenetics, part of Exact Sciences
Classification: Likely benign for ABCB4-related condition. Last evaluated: 2024-09-26. Review status: no assertion criteria provided. Collection method: clinical testing. Allele origin: germline. Not counted in ClinVar's aggregate classification.
Comment: This variant is classified as likely benign based on ACMG/AMP sequence variant interpretation guidelines (Richards et al. 2015 PMID: 25741868, with internal and published modifications).

NM_000443.4(ABCB4):c.3231G>A (p.Thr1077=)

Gene: ABCB4 (ATP binding cassette subfamily B member 4; minus strand). Cytogenetic location: 7q21.12.
Variant type: single nucleotide variant.
Coding change: c.3231G>A on transcript NM_000443.4 (MANE Select); coding-DNA position 3231, G replaced by A.
Protein change: p.Thr1077=; no amino-acid change (threonine 1077 retained).
Molecular consequence: synonymous variant.
Genome position (GRCh38, 1-based): chr7:87,408,085, C>T on the plus strand (G>A on the coding strand, the complement: ABCB4 is on the minus strand). VCF-style: chr7-87408085-C-T. GRCh37 (hg19) VCF-style: chr7-87037401-C-T.
Other names: c.3231G>A, p.Thr1077= (NM_018849.3); c.3090G>A, p.Thr1030= (NM_018850.3).
Identifiers: ClinVar variation 360792 (VCV000360792.9), dbSNP rs376825608, ClinGen allele CA4326829.